The following is an entry in ClinVar:

ClinVar aggregate classification (germline): Uncertain significance (1 of 4 stars; one submission).

Submission:

CeGaT Center for Human Genetics Tuebingen
Classification: Uncertain significance. Last evaluated: 2025-12-01. Review status: criteria provided, single submitter. Criteria: CeGaT Center For Human Genetics Tuebingen Variant Classification Criteria Version 2. Collection method: clinical testing. Allele origin: germline. Affected: yes. Observed: 1 variant allele.
Comment: TNRC6B: PM2, PP3

NM_001024843.2(TNRC6B):c.45+6T>A

Gene: TNRC6B (trinucleotide repeat containing adaptor 6B; plus strand). Cytogenetic location: 22q13.1.
Variant type: single nucleotide variant.
Coding change: c.45+6T>A on transcript NM_001024843.2; 6 bases into the intron after coding-DNA position 45, T replaced by A.
Molecular consequence: intron variant.
Genome position (GRCh38, 1-based): chr22:40,125,868, T>A. VCF-style: chr22-40125868-T-A. GRCh37 (hg19) VCF-style: chr22-40521872-T-A.
Identifiers: ClinVar variation 4681948 (VCV004681948.5).